The following is an entry in ClinVar:

NM_018230.3(NUP133):c.219A>G (p.Ile73Met)

Gene: NUP133 (nucleoporin 133; minus strand). Cytogenetic location: 1q42.13.
Variant type: single nucleotide variant.
Coding change: c.219A>G on transcript NM_018230.3 (MANE Select); coding-DNA position 219, A replaced by G.
Protein change: p.Ile73Met; replaces isoleucine 73 with methionine.
Molecular consequence: missense variant.
Genome position (GRCh38, 1-based): chr1:229,506,122, T>C on the plus strand (A>G on the coding strand, the complement: NUP133 is on the minus strand). VCF-style: chr1-229506122-T-C. GRCh37 (hg19) VCF-style: chr1-229641869-T-C.
Other names: c.219A>G (NM_018230.2); short protein forms I73M.
Identifiers: ClinVar variation 3603432 (VCV003603432.3).

ClinVar aggregate classification (germline): Uncertain significance. Review status: criteria provided, multiple submitters, no conflicts (2 of 4 stars). 2 submissions from 2 submitters: Uncertain significance (2). Last evaluated 2025-10-18.

gnomAD v4.1: 35 of 1,613,042 alleles (0.0022%); highest among the groups gnomAD compares: Admixed American, 0.058%; no homozygotes.

Submissions (2):

Ambry Genetics
Classification: Uncertain significance. Last evaluated: 2025-10-18. Review status: criteria provided, single submitter. Criteria: Ambry Variant Classification Scheme 2023. Collection method: clinical testing. Allele origin: germline.

Labcorp Genetics (formerly Invitae), Labcorp
Classification: Uncertain significance. Last evaluated: 2025-01-13. Review status: criteria provided, single submitter. Criteria: Invitae Variant Classification Sherloc (09022015). Collection method: clinical testing. Allele origin: germline.
Comment: This sequence change replaces isoleucine, which is neutral and non-polar, with methionine, which is neutral and non-polar, at codon 73 of the NUP133 protein (p.Ile73Met). This variant is present in population databases (no rsID available, gnomAD 0.05%). This variant has not been reported in the literature in individuals affected with NUP133-related conditions. An algorithm developed to predict the effect of missense changes on protein structure and function (PolyPhen-2) suggests that this variant is likely to be tolerated. In summary, the available evidence is currently insufficient to determine the role of this variant in disease. Therefore, it has been classified as a Variant of Uncertain Significance.